The following is an entry in ClinVar:

ClinVar aggregate classification (germline): Likely benign. Review status: criteria provided, single submitter (1 of 4 stars). 2 submissions from 2 submitters: Likely benign (1). 1 of the submissions does not count toward it. Last evaluated 2025-11-05.

Conditions:
PC-related disorder. Also called: PC-related condition.
Pyruvate carboxylase deficiency. Also called: Pyruvate Carboxylase Deficiency Disease; LEIGH NECROTIZING ENCEPHALOPATHY DUE TO PYRUVATE CARBOXYLASE DEFICIENCY; LEIGH SYNDROME DUE TO PYRUVATE CARBOXYLASE DEFICIENCY; PC DEFICIENCY; ATAXIA WITH LACTIC ACIDOSIS II. Identifiers: Orphanet 3008, MedGen C0034341, MONDO:0009949, OMIM 266150.

Allele frequency attached by ClinVar (database versions not stated): gnomAD 0.00001; gnomAD exomes 0.00001 and 0.00003; ExAC 0.00002; TOPMed 0.00003.
gnomAD v4.1: 16 of 1,613,562 alleles (0.00099%); highest among the groups gnomAD compares: Admixed American, 0.015%; no homozygotes.

Submissions (2):

Labcorp Genetics (formerly Invitae), Labcorp
Classification: Likely benign for Pyruvate carboxylase deficiency. Last evaluated: 2025-11-05. Review status: criteria provided, single submitter. Criteria: Invitae Variant Classification Sherloc (09022015). Collection method: clinical testing. Allele origin: germline.

PreventionGenetics, part of Exact Sciences
Classification: Likely benign for PC-related condition. Last evaluated: 2022-11-30. Review status: no assertion criteria provided. Collection method: clinical testing. Allele origin: germline. Not counted in ClinVar's aggregate classification.
Comment: This variant is classified as likely benign based on ACMG/AMP sequence variant interpretation guidelines (Richards et al. 2015 PMID: 25741868, with internal and published modifications).

NM_001040716.2(PC):c.2829C>T (p.Ser943=)

Gene: PC (pyruvate carboxylase; minus strand). Cytogenetic location: 11q13.2.
Variant type: single nucleotide variant.
Coding change: c.2829C>T on transcript NM_001040716.2 (MANE Select); coding-DNA position 2829, C replaced by T.
Protein change: p.Ser943=; no amino-acid change (serine 943 retained).
Molecular consequence: synonymous variant.
Genome position (GRCh38, 1-based): chr11:66,850,006, G>A on the plus strand (C>T on the coding strand, the complement: PC is on the minus strand). VCF-style: chr11-66850006-G-A. GRCh37 (hg19) VCF-style: chr11-66617477-G-A.
Other names: c.2829C>T, p.Ser943= (NM_000920.4, NM_022172.3); c.2829C>T (NM_001040716.1).
Identifiers: ClinVar variation 722607 (VCV000722607.12), dbSNP rs769867981, ClinGen allele CA6130965.